The following is an entry in ClinVar:

ClinVar aggregate classification (germline): Uncertain significance. Review status: criteria provided, multiple submitters, no conflicts (2 of 4 stars). 2 submissions from 2 submitters: Uncertain significance (2). Last evaluated 2024-01-22.

Allele frequency attached by ClinVar (database versions not stated): gnomAD exomes 0.00003; ExAC 0.00004; TOPMed 0.00006; gnomAD 0.00007; 1000 Genomes Project 30x 0.00016; 1000 Genomes Project 0.00020.
gnomAD v4.1: 57 of 1,613,904 alleles (0.0035%); highest among the groups gnomAD compares: Admixed American, 0.005%; 1 homozygote.

Submissions (2):

Labcorp Genetics (formerly Invitae), Labcorp
Classification: Uncertain significance. Last evaluated: 2024-01-22. Review status: criteria provided, single submitter. Criteria: Invitae Variant Classification Sherloc (09022015). Collection method: clinical testing. Allele origin: germline.
Comment: This sequence change replaces arginine, which is basic and polar, with histidine, which is basic and polar, at codon 259 of the KIF22 protein (p.Arg259His). This variant is present in population databases (rs143337481, gnomAD 0.01%), including at least one homozygous and/or hemizygous individual. This variant has not been reported in the literature in individuals affected with KIF22-related conditions. ClinVar contains an entry for this variant (Variation ID: 2248214). Advanced modeling of protein sequence and biophysical properties (such as structural, functional, and spatial information, amino acid conservation, physicochemical variation, residue mobility, and thermodynamic stability) performed at Invitae indicates that this missense variant is not expected to disrupt KIF22 protein function with a negative predictive value of 80%. In summary, the available evidence is currently insufficient to determine the role of this variant in disease. Therefore, it has been classified as a Variant of Uncertain Significance.

Ambry Genetics
Classification: Uncertain significance. Last evaluated: 2021-09-01. Review status: criteria provided, single submitter. Criteria: Ambry Variant Classification Scheme 2023. Collection method: clinical testing. Allele origin: germline.

NM_007317.3(KIF22):c.776G>A (p.Arg259His)

Gene: KIF22 (kinesin family member 22; plus strand). Cytogenetic location: 16p11.2.
Variant type: single nucleotide variant.
Coding change: c.776G>A on transcript NM_007317.3 (MANE Select); coding-DNA position 776, G replaced by A.
Protein change: p.Arg259His; replaces arginine 259 with histidine.
Molecular consequence: missense variant.
Genome position (GRCh38, 1-based): chr16:29,799,280, G>A. VCF-style: chr16-29799280-G-A. GRCh37 (hg19) VCF-style: chr16-29810601-G-A.
Other names: c.572G>A, p.Arg191His (NM_001256269.2, NM_001256270.1); short protein forms R191H, R259H.
Identifiers: ClinVar variation 2248214 (VCV002248214.5), dbSNP rs143337481, ClinGen allele CA7993094.